The following is an entry in ClinVar:

ClinVar aggregate classification (germline): Uncertain significance (1 of 4 stars; one submission).

Conditions:
AFF4-related disorder. Also called: AFF4-related condition.

Submission:

PreventionGenetics, part of Exact Sciences
Classification: Uncertain significance for AFF4-related condition. Last evaluated: 2025-10-03. Review status: criteria provided, single submitter. Criteria: ACMG Guidelines, 2015. Collection method: clinical testing. Allele origin: germline.
Comment: The AFF4 c.2515T>A variant is predicted to result in the amino acid substitution p.Ser839Thr. To our knowledge, this variant has not been reported in the literature or in a large population database (gnomAD), indicating this variant is rare. At this time, the clinical significance of this variant is uncertain due to the absence of conclusive functional and genetic evidence.

NM_014423.4(AFF4):c.2515T>A (p.Ser839Thr)

Gene: AFF4 (ALF transcription elongation factor 4; minus strand). Cytogenetic location: 5q31.1.
Variant type: single nucleotide variant.
Coding change: c.2515T>A on transcript NM_014423.4 (MANE Select); coding-DNA position 2515, T replaced by A.
Protein change: p.Ser839Thr; replaces serine 839 with threonine.
Molecular consequence: missense variant.
Genome position (GRCh38, 1-based): chr5:132,892,286, A>T on the plus strand (T>A on the coding strand, the complement: AFF4 is on the minus strand). VCF-style: chr5-132892286-A-T. GRCh37 (hg19) VCF-style: chr5-132227978-A-T.
Other names: short protein forms S839T.
Identifiers: ClinVar variation 5001763 (VCV005001763.1).
Genomic context (GRCh38, chr5:132,892,286, plus strand): 5'-AACTGTTTTTGCTGCTGCCACTCGTCTCCTTGTTGCTGTTACTGCTTGACTTTAAGGAAG[A>T]AGACTGACTAATAGTCCTCTTCCGAGAGCCATGCTCTGTTTTTGGATCTTTTGAAGGAAC-3'
Protein context (NP_055238.1, residues 829-849): GSRKRTISQS[Ser839Thr]SLKSSSNSNK